The following is an entry in ClinVar:

NM_000719.7(CACNA1C):c.1151A>G (p.Tyr384Cys)

Gene: CACNA1C (calcium voltage-gated channel subunit alpha1 C; plus strand). Cytogenetic location: 12p13.33.
Variant type: single nucleotide variant.
Coding change: c.1151A>G on transcript NM_000719.7 (MANE Select); coding-DNA position 1151, A replaced by G.
Protein change: p.Tyr384Cys; replaces tyrosine 384 with cysteine.
Molecular consequence: missense variant. On other transcripts: intron variant (4).
Genome position (GRCh38, 1-based): chr12:2,504,879, A>G. VCF-style: chr12-2504879-A-G. GRCh37 (hg19) VCF-style: chr12-2614045-A-G.
Other names: c.1151A>G, p.Tyr384Cys (NM_001129836.2, NM_001129837.2, NM_001129838.2 and 14 more transcripts); c.1142A>G, p.Tyr381Cys (NM_001129844.2); c.1217+340A>G (NM_001167624.3, NM_001167623.2, NM_001167625.2 and 1 more transcripts); short protein forms Y381C, Y384C.
Identifiers: ClinVar variation 2906240 (VCV002906240.6), dbSNP rs752205939, ClinGen allele CA6388654.

ClinVar aggregate classification (germline): Uncertain significance. Review status: criteria provided, multiple submitters, no conflicts (2 of 4 stars). 3 submissions from 3 submitters: Uncertain significance (3). Last evaluated 2025-02-16.

Conditions:
Long QT syndrome (LQTS). Identifiers: MedGen C0023976, MeSH D008133, MONDO:0002442. Disease mechanism: loss of function. Inheritance: Various modes of inheritance.
Timothy syndrome (TS). Also called: LONG QT SYNDROME WITH SYNDACTYLY. Identifiers: Orphanet 65283, MedGen C1832916, MeSH C536962, MONDO:0010979, OMIM 601005.

Allele frequency attached by ClinVar (database versions not stated): TOPMed below 0.00001; ExAC 0.00001; gnomAD exomes 0.00001.
gnomAD v4.1: 11 of 1,607,492 alleles (0.00068%); highest among the groups gnomAD compares: South Asian, 0.0011%; no homozygotes.

Submissions (3):

Laboratory of Genetics, Children's Clinical University Hospital Latvia
Classification: Uncertain significance. Last evaluated: 2025-02-16. Review status: criteria provided, single submitter. Criteria: ACMG Guidelines, 2015. Collection method: clinical testing. Allele origin: germline. Affected: yes.

Labcorp Genetics (formerly Invitae), Labcorp
Classification: Uncertain significance for Long QT syndrome. Last evaluated: 2023-11-27. Review status: criteria provided, single submitter. Criteria: Invitae Variant Classification Sherloc (09022015). Collection method: clinical testing. Allele origin: germline.
Comment: This sequence change replaces tyrosine, which is neutral and polar, with cysteine, which is neutral and slightly polar, at codon 384 of the CACNA1C protein (p.Tyr384Cys). This variant is present in population databases (rs752205939, gnomAD 0.003%). This variant has not been reported in the literature in individuals affected with CACNA1C-related conditions. Advanced modeling of protein sequence and biophysical properties (such as structural, functional, and spatial information, amino acid conservation, physicochemical variation, residue mobility, and thermodynamic stability) performed at Invitae indicates that this missense variant is expected to disrupt CACNA1C protein function with a positive predictive value of 95%. In summary, the available evidence is currently insufficient to determine the role of this variant in disease. Therefore, it has been classified as a Variant of Uncertain Significance.

Juno Genomics, Hangzhou Juno Genomics, Inc
Classification: Uncertain significance for Timothy syndrome. Review status: criteria provided, single submitter. Criteria: ACMG Guidelines, 2015. Collection method: clinical testing. Allele origin: germline. Affected: yes.
Comment: Absent from controls (or at extremely low frequency if recessive) in Genome Aggregation Database, Exome Sequencing Project, 1000 Genomes Project, or Exome Aggregation Consortium.;Multiple lines of computational evidence support a deleterious effect on the gene or gene product (conservation, evolutionary, splicing impact, etc).